The following is an entry in ClinVar:

NM_015268.4(DNAJC13):c.*10G>A

Gene: DNAJC13 (DnaJ heat shock protein family (Hsp40) member C13; plus strand). Cytogenetic location: 3q22.1.
Variant type: single nucleotide variant.
Coding change: c.*10G>A on transcript NM_015268.4 (MANE Select); 10 bases downstream of the stop codon, G replaced by A.
Molecular consequence: 3 prime UTR variant.
Genome position (GRCh38, 1-based): chr3:132,538,292, G>A. VCF-style: chr3-132538292-G-A. GRCh37 (hg19) VCF-style: chr3-132257136-G-A.
Other names: c.*10G>A (NM_001329126.2).
Identifiers: ClinVar variation 3350714 (VCV003350714.1).
Genomic context (GRCh38, chr3:132,538,292, plus strand): 5'-CTGCCACCTCCTGTAGACCATGAGGCAGGCGACCTTGGCTATCAGACTTGAAATATTCAC[G>A]AGAGACAATAAACGCTGAAAGGCCAGTGCCAAGTCCACATTCCTCCAGCTGATACGTTGA-3'

ClinVar aggregate classification (germline): Benign (0 of 4 stars; one submission).

Conditions:
DNAJC13-related disorder. Also called: DNAJC13-related condition.

gnomAD v4.1: 3,353 of 1,609,820 alleles (0.21%); highest among the groups gnomAD compares: African/African-American, 2.8%; 31 homozygotes.

Submission:

PreventionGenetics, part of Exact Sciences
Classification: Benign for DNAJC13-related condition. Last evaluated: 2024-06-03. Review status: no assertion criteria provided. Collection method: clinical testing. Allele origin: germline.
Comment: This variant is classified as benign based on ACMG/AMP sequence variant interpretation guidelines (Richards et al. 2015 PMID: 25741868, with internal and published modifications).